The following is an entry in ClinVar:

ClinVar aggregate classification (germline): Pathogenic (1 of 4 stars; one submission).

Conditions:
Neonatal-onset encephalopathy with rigidity and seizures. Also called: Lethal neonatal spasticity-epileptic encephalopathy syndrome. Identifiers: Orphanet 435845, MedGen C3281029, MONDO:0013784, OMIM 614498.

Submission:

Labcorp Genetics (formerly Invitae), Labcorp
Classification: Pathogenic for Neonatal-onset encephalopathy with rigidity and seizures. Last evaluated: 2022-07-05. Review status: criteria provided, single submitter. Criteria: Invitae Variant Classification Sherloc (09022015). Collection method: clinical testing. Allele origin: germline.
Comment: This variant has not been reported in the literature in individuals affected with BRAT1-related conditions. This sequence change creates a premature translational stop signal (p.Asp190Valfs*30) in the BRAT1 gene. It is expected to result in an absent or disrupted protein product. Loss-of-function variants in BRAT1 are known to be pathogenic (PMID: 22279524, 25500575). This variant is not present in population databases (gnomAD no frequency). For these reasons, this variant has been classified as Pathogenic.

Literature cited by the submitters: PubMed 22279524; PubMed 25500575.

NM_152743.4(BRAT1):c.560_561insCG (p.Asp190fs)

Gene: BRAT1 (BRCA1 associated ATM activator 1; minus strand). Cytogenetic location: 7p22.3.
Variant type: Insertion.
Coding change: c.560_561insCG on transcript NM_152743.4 (MANE Select); coding-DNA positions 560 to 561, CG inserted.
Protein change: p.Asp190fs; shifts the reading frame from aspartic acid 190.
Molecular consequence: frameshift variant. On other transcripts: non-coding transcript variant (1).
Genome position: GRCh38 VCF-style: chr7-2543832-C-CCG. GRCh37 (hg19) VCF-style: chr7-2583466-C-CCG.
Other names: c.560_561insCG, p.Asp190fs (NM_001350626.2); c.35_36insCG, p.Asp15fs (NM_001350627.2); short protein forms D190fs, D15fs.
Identifiers: ClinVar variation 1933360 (VCV001933360.5), dbSNP rs2534391979, ClinGen allele CA2580076702.
Genomic context (GRCh38, chr7:2,543,832, plus strand): 5'-GCACAAGGACTCTTCAACGTGATCCATGATCTTCTGGGCACACGCGGGCCAGTCACCCCC[C>CCG]GGCAGGCAGGGCTGCCCCTCGGCTCCACCTCGCATGGACAAAGCCAGGACGTGCACCAGG-3'